The following is an entry in ClinVar:

ClinVar aggregate classification (germline): Uncertain significance (1 of 4 stars; one submission).

Conditions:
Atypical hemolytic-uremic syndrome. Identifiers: Orphanet 2134, MedGen C2931788, MONDO:0016244.

Submission:

Genomenon, Inc
Classification: Uncertain significance for Atypical hemolytic-uremic syndrome. Last evaluated: 2025-09-30. Review status: criteria provided, single submitter. Criteria: Genomenon Sequence Variant Interpretation Standards. Collection method: curation. Allele origin: germline. Affected: yes.
Comment: C3 p.Asp1115His (c.3343G>C) is a missense variant that changes the amino acid at residue 1115 from Aspartic acid to Histidine. This variant has been observed in at least one proband affected with atypical hemolytic-uremic syndrome (PMID:36793547). It is absent or not present at a significant frequency in gnomAD. The presence of pathogenic/likely pathogenic missense variant(s) at the same amino acid position indicates that this residue is likely important for protein function. In conclusion, we classify C3 p.Asp1115His (c.3343G>C) as a variant of unknown significance.

Literature cited by the submitters: PubMed 36793547.

NM_000064.4(C3):c.3343G>C (p.Asp1115His)

Gene: C3 (complement C3; minus strand). Cytogenetic location: 19p13.3.
Variant type: single nucleotide variant.
Coding change: c.3343G>C on transcript NM_000064.4 (MANE Select); coding-DNA position 3343, G replaced by C.
Protein change: p.Asp1115His; replaces aspartic acid 1115 with histidine.
Molecular consequence: missense variant.
Genome position (GRCh38, 1-based): chr19:6,692,971, C>G on the plus strand (G>C on the coding strand, the complement: C3 is on the minus strand). VCF-style: chr19-6692971-C-G. GRCh37 (hg19) VCF-style: chr19-6692982-C-G.
Other names: short protein forms D1115H.
Identifiers: ClinVar variation 4280204 (VCV004280204.1).